The following is an entry in ClinVar:

ClinVar aggregate classification (germline): Uncertain significance (1 of 4 stars; one submission).

Conditions:
EIF5A-related disorder. Also called: EIF5A-related condition.

Submission:

PreventionGenetics, part of Exact Sciences
Classification: Uncertain significance for EIF5A-related condition. Last evaluated: 2026-08-20. Review status: criteria provided, single submitter. Criteria: ACMG Guidelines, 2015. Collection method: clinical testing. Allele origin: germline.
Comment: The EIF5A c.204_207dupTAAG variant is predicted to result in premature protein termination (p.Ile70*). This variant is also known as c.114_117dupTAAG (p.Ile40*) in an alternate transcript NM_001970. To our knowledge, this variant has not been reported in the literature or in a large population database (gnomAD), indicating it is rare. Loss-of-function is not an established mechanism of EIF5A-related disease; however, this gene is loss-of-function constrained in the general population (pLI=0.89). No truncating variants in the upstream region relative to this variant have been reported. Although we suspect that this variant may be pathogenic, at this time, the clinical significance of this variant is uncertain due to the absence of conclusive functional and genetic evidence.

NM_001970.5(EIF5A):c.114_117dup (p.Ile40Ter)

Gene: EIF5A (eukaryotic translation initiation factor 5A; plus strand). Cytogenetic location: 17p13.1.
Variant type: Duplication.
Coding change: c.114_117dup on transcript NM_001970.5 (MANE Select); coding-DNA positions 114 to 117, 4 bases duplicated (TAAG; older notation c.114_117dupTAAG).
Protein change: p.Ile40Ter; replaces isoleucine 40 with a stop codon.
Molecular consequence: nonsense.
Genome position (GRCh38, 1-based): chr17:7,309,749-7,309,752, TAAG duplicated; duplicating any 4 consecutive bases within chr17:7,309,748-7,309,752 gives the same sequence; the c. name uses the placement nearest the transcript's 3' end. VCF-style (leftmost placement, unchanged base first): chr17-7309747-T-TGTAA. GRCh37 (hg19) VCF-style: chr17-7213066-T-TGTAA.
Other names: c.204_207dup, p.Ile70Ter (NM_001143760.1); c.114_117dup, p.Ile40Ter (NM_001143761.1, NM_001143762.2, NM_001370420.1 and 1 more transcripts); c.204_207dupTAAG (NM_001143760.1); short protein forms I40*, I70*.
Identifiers: ClinVar variation 4995602 (VCV004995602.1).